The following is an entry in ClinVar:

NM_005619.5(RTN2):c.583G>A (p.Ala195Thr)

Genes: OPA3-RTN2 (OPA3-RTN2 readthrough; minus strand), RTN2 (reticulon 2; minus strand). Cytogenetic location: 19q13.32.
Variant type: single nucleotide variant.
Coding change: c.583G>A on transcript NM_005619.5 (MANE Select); coding-DNA position 583, G replaced by A.
Protein change: p.Ala195Thr; replaces alanine 195 with threonine.
Molecular consequence: missense variant.
Genome position (GRCh38, 1-based): chr19:45,494,397, C>T on the plus strand (G>A on the coding strand, the complement: RTN2 is on the minus strand). VCF-style: chr19-45494397-C-T. GRCh37 (hg19) VCF-style: chr19-45997655-C-T.
Other names: c.583G>A, p.Ala195Thr (NM_206900.3); short protein forms A195T.
Identifiers: ClinVar variation 4706544 (VCV004706544.1).

ClinVar aggregate classification (germline): Uncertain significance (1 of 4 stars; one submission).

Conditions:
Spastic paraplegia. Identifiers: MedGen C0037772, HP:0001258.

gnomAD v4.1: 4 of 1,613,444 alleles (0.00025%); highest among the groups gnomAD compares: South Asian, 0.0044%; no homozygotes.

Submission:

Labcorp Genetics (formerly Invitae), Labcorp
Classification: Uncertain significance for Spastic paraplegia. Last evaluated: 2025-06-04. Review status: criteria provided, single submitter. Criteria: Invitae Variant Classification Sherloc (09022015). Collection method: clinical testing. Allele origin: germline.
Comment: This sequence change replaces alanine, which is neutral and non-polar, with threonine, which is neutral and polar, at codon 195 of the RTN2 protein (p.Ala195Thr). This variant is present in population databases (rs751916707, gnomAD 0.006%). This variant has not been reported in the literature in individuals affected with RTN2-related conditions. An algorithm developed to predict the effect of missense changes on protein structure and function outputs the following: PolyPhen-2: "Benign". The threonine amino acid residue is found in multiple mammalian species, which suggests that this missense change does not adversely affect protein function. In summary, the available evidence is currently insufficient to determine the role of this variant in disease. Therefore, it has been classified as a Variant of Uncertain Significance.